The following is an entry in ClinVar:

NM_006662.3(SRCAP):c.8551A>G (p.Ile2851Val)

Gene: SRCAP (Snf2 related CREBBP activator protein; plus strand). Cytogenetic location: 16p11.2.
Variant type: single nucleotide variant.
Coding change: c.8551A>G on transcript NM_006662.3 (MANE Select); coding-DNA position 8551, A replaced by G.
Protein change: p.Ile2851Val; replaces isoleucine 2851 with valine.
Molecular consequence: missense variant.
Genome position (GRCh38, 1-based): chr16:30,738,591, A>G. VCF-style: chr16-30738591-A-G. GRCh37 (hg19) VCF-style: chr16-30749912-A-G.
Other names: c.8551A>G (NM_006662.2); short protein forms I2851V.
Identifiers: ClinVar variation 2894134 (VCV002894134.4), dbSNP rs374400862, ClinGen allele CA8012728.

ClinVar aggregate classification (germline): Uncertain significance. Review status: criteria provided, multiple submitters, no conflicts (2 of 4 stars). 2 submissions from 2 submitters: Uncertain significance (2). Last evaluated 2025-08-26.

Conditions:
Inborn genetic diseases. Identifiers: MedGen C0950123, MeSH D030342.

Allele frequency attached by ClinVar (database versions not stated): ExAC 0.00003; gnomAD 0.00005; gnomAD exomes 0.00001; 1000 Genomes Project 30x 0.00031; ESP Exome Variant Server 0.00008; TOPMed 0.00010; 1000 Genomes Project 0.00020.

Submissions (2):

Ambry Genetics
Classification: Uncertain significance for Inborn genetic diseases. Last evaluated: 2025-08-26. Review status: criteria provided, single submitter. Criteria: Ambry Variant Classification Scheme 2023. Collection method: clinical testing. Allele origin: germline.

Labcorp Genetics (formerly Invitae), Labcorp
Classification: Uncertain significance. Last evaluated: 2025-01-29. Review status: criteria provided, single submitter. Criteria: Invitae Variant Classification Sherloc (09022015). Collection method: clinical testing. Allele origin: germline.
Comment: This sequence change replaces isoleucine, which is neutral and non-polar, with valine, which is neutral and non-polar, at codon 2851 of the SRCAP protein (p.Ile2851Val). This variant is present in population databases (rs374400862, gnomAD 0.03%). This variant has not been reported in the literature in individuals affected with SRCAP-related conditions. ClinVar contains an entry for this variant (Variation ID: 2894134). Invitae Evidence Modeling of protein sequence and biophysical properties (such as structural, functional, and spatial information, amino acid conservation, physicochemical variation, residue mobility, and thermodynamic stability) indicates that this missense variant is not expected to disrupt SRCAP protein function with a negative predictive value of 80%. In summary, the available evidence is currently insufficient to determine the role of this variant in disease. Therefore, it has been classified as a Variant of Uncertain Significance.